The following is an entry in ClinVar:

NM_001385012.1(NBEA):c.6164G>A (p.Gly2055Glu)

Gene: NBEA (neurobeachin; plus strand). Cytogenetic location: 13q13.3.
Variant type: single nucleotide variant.
Coding change: c.6164G>A on transcript NM_001385012.1 (MANE Select); coding-DNA position 6164, G replaced by A.
Protein change: p.Gly2055Glu; replaces glycine 2055 with glutamic acid.
Molecular consequence: missense variant.
Genome position (GRCh38, 1-based): chr13:35,352,308, G>A. VCF-style: chr13-35352308-G-A. GRCh37 (hg19) VCF-style: chr13-35926445-G-A.
Other names: c.6155G>A, p.Gly2052Glu (NM_001379245.1); c.6164G>A, p.Gly2055Glu (NM_015678.5); short protein forms G2052E, G2055E.
Identifiers: ClinVar variation 1318964 (VCV001318964.2), dbSNP rs2152865655, ClinGen allele CA387980516.

ClinVar aggregate classification (germline): Uncertain significance (1 of 4 stars; one submission).

Submission:

GeneDx
Classification: Uncertain significance. Last evaluated: 2019-10-02. Review status: criteria provided, single submitter. Criteria: GeneDx Variant Classification Process June 2021. Collection method: clinical testing. Allele origin: germline. Affected: yes.
Comment: Not observed in large population cohorts (Lek et al., 2016); In silico analysis, which includes protein predictors and evolutionary conservation, supports a deleterious effect; Has not been previously published as pathogenic or benign to our knowledge